The following is an entry in ClinVar:

NM_004281.4(BAG3):c.180+264G>A

Gene: BAG3 (BAG cochaperone 3; plus strand). Cytogenetic location: 10q26.11.
Variant type: single nucleotide variant.
Coding change: c.180+264G>A on transcript NM_004281.4 (MANE Select); 264 bases into the intron after coding-DNA position 180, G replaced by A.
Molecular consequence: intron variant.
Genome position (GRCh38, 1-based): chr10:119,652,119, G>A. VCF-style: chr10-119652119-G-A. GRCh37 (hg19) VCF-style: chr10-121411631-G-A.
Identifiers: ClinVar variation 669419 (VCV000669419.1), dbSNP rs112168846, ClinGen allele CA214208520.

ClinVar aggregate classification (germline): Benign (1 of 4 stars; one submission).

Allele frequency attached by ClinVar (database versions not stated): gnomAD 0.08245 and 0.08404; TOPMed 0.09186; 1000 Genomes Project 30x 0.13086; 1000 Genomes Project 0.13219.
gnomAD v4.1: 12,747 of 152,104 alleles (8.4%); highest among the groups gnomAD compares: East Asian, 22%; 737 homozygotes.

Submission:

GeneDx
Classification: Benign. Last evaluated: 2018-06-14. Review status: criteria provided, single submitter. Criteria: GeneDx Variant Classification (06012015). Collection method: clinical testing. Allele origin: germline. Affected: yes.
Comment: This variant is considered likely benign or benign based on one or more of the following criteria: it is a conservative change, it occurs at a poorly conserved position in the protein, it is predicted to be benign by multiple in silico algorithms, and/or has population frequency not consistent with disease.